The following is an entry in ClinVar:

NM_017755.6(NSUN2):c.1184C>T (p.Pro395Leu)

Gene: NSUN2 (NOP2/Sun RNA methyltransferase 2; minus strand). Cytogenetic location: 5p15.31.
Variant type: single nucleotide variant.
Coding change: c.1184C>T on transcript NM_017755.6 (MANE Select); coding-DNA position 1184, C replaced by T.
Protein change: p.Pro395Leu; replaces proline 395 with leucine.
Molecular consequence: missense variant. On other transcripts: non-coding transcript variant (1).
Genome position (GRCh38, 1-based): chr5:6,610,997, G>A on the plus strand (C>T on the coding strand, the complement: NSUN2 is on the minus strand). VCF-style: chr5-6610997-G-A. GRCh37 (hg19) VCF-style: chr5-6611110-G-A.
Other names: c.1079C>T, p.Pro360Leu (NM_001193455.2); c.1184C>T (NM_017755.5); short protein forms P360L, P395L.
Identifiers: ClinVar variation 1473688 (VCV001473688.4), dbSNP rs557742097, ClinGen allele CA3192528.

ClinVar aggregate classification (germline): Conflicting classifications of pathogenicity. Review status: criteria provided, conflicting classifications (1 of 4 stars). 2 submissions from 2 submitters: Uncertain significance (1); Likely benign (1). Last evaluated 2025-12-09.

Conditions:
Inborn genetic diseases. Identifiers: MedGen C0950123, MeSH D030342.

Allele frequency attached by ClinVar (database versions not stated): gnomAD exomes 0.00006 and 0.00010; 1000 Genomes Project 0.00020; gnomAD 0.00004 and 0.00006; TOPMed 0.00004; ExAC 0.00012; 1000 Genomes Project 30x 0.00016.

Submissions (2):

Ambry Genetics
Classification: Likely benign for Inborn genetic diseases. Last evaluated: 2025-12-09. Review status: criteria provided, single submitter. Criteria: Ambry Variant Classification Scheme 2023. Collection method: clinical testing. Allele origin: germline.

Labcorp Genetics (formerly Invitae), Labcorp
Classification: Uncertain significance. Last evaluated: 2021-10-05. Review status: criteria provided, single submitter. Criteria: Invitae Variant Classification Sherloc (09022015). Collection method: clinical testing. Allele origin: germline.
Comment: This sequence change replaces proline with leucine at codon 395 of the NSUN2 protein (p.Pro395Leu). The proline residue is highly conserved and there is a moderate physicochemical difference between proline and leucine. This variant is present in population databases (rs557742097, ExAC 0.04%). This variant has not been reported in the literature in individuals affected with NSUN2-related conditions. Algorithms developed to predict the effect of missense changes on protein structure and function output the following: SIFT: "Tolerated"; PolyPhen-2: "Benign"; Align-GVGD: "Class C0". The leucine amino acid residue is found in multiple mammalian species, which suggests that this missense change does not adversely affect protein function. In summary, the available evidence is currently insufficient to determine the role of this variant in disease. Therefore, it has been classified as a Variant of Uncertain Significance.